The following is an entry in ClinVar:

NM_001032.5(RPS29):c.164T>G (p.Leu55Trp)

Gene: RPS29 (ribosomal protein S29; minus strand). Cytogenetic location: 14q21.3.
Variant type: single nucleotide variant.
Coding change: c.164T>G on transcript NM_001032.5 (MANE Select); coding-DNA position 164, T replaced by G.
Protein change: p.Leu55Trp; replaces leucine 55 with tryptophan.
Molecular consequence: missense variant. On other transcripts: intron variant (1).
Genome position (GRCh38, 1-based): chr14:49,583,674, A>C on the plus strand (T>G on the coding strand, the complement: RPS29 is on the minus strand). VCF-style: chr14-49583674-A-C. GRCh37 (hg19) VCF-style: chr14-50050392-A-C.
Other names: c.155T>G, p.Leu52Trp (NM_001351375.2); c.162+2276T>G (NM_001030001.4); short protein forms L55W, L52W.
Identifiers: ClinVar variation 4719029 (VCV004719029.1).

ClinVar aggregate classification (germline): Uncertain significance (1 of 4 stars; one submission).

Submission:

Labcorp Genetics (formerly Invitae), Labcorp
Classification: Uncertain significance. Last evaluated: 2025-05-06. Review status: criteria provided, single submitter. Criteria: Invitae Variant Classification Sherloc (09022015). Collection method: clinical testing. Allele origin: germline.
Comment: This sequence change replaces leucine, which is neutral and non-polar, with tryptophan, which is neutral and slightly polar, at codon 55 of the RPS29 protein (p.Leu55Trp). This variant is not present in population databases (gnomAD no frequency). This variant has not been reported in the literature in individuals affected with RPS29-related conditions. An algorithm developed to predict the effect of missense changes on protein structure and function (PolyPhen-2) suggests that this variant is likely to be disruptive. In summary, the available evidence is currently insufficient to determine the role of this variant in disease. Therefore, it has been classified as a Variant of Uncertain Significance.